The following is an entry in ClinVar:

ClinVar aggregate classification (germline): Pathogenic. Review status: reviewed by expert panel (3 of 4 stars). 19 submissions from 19 submitters: Pathogenic (1). 18 of the submissions do not count toward it. Last evaluated 2026-07-20.

Conditions:
CEP290-related ciliopathy. Also called: CEP290 ciliopathy. Identifiers: MedGen CN305601, MONDO:0100451.
Occipital encephalocele. Identifiers: Orphanet 268823, MedGen C0014067, MONDO:0017080, HP:0002085.
Meckel-Gruber syndrome. Also called: DYSENCEPHALIA SPLANCHNOCYSTICA; Dysencephalia splachnocystica; GRUBER SYNDROME. Identifiers: Orphanet 564, MedGen C0265215, MONDO:0018921.
Joubert syndrome. Also called: Familial aplasia of the vermis; JOUBERT-BOLTSHAUSER SYNDROME. Identifiers: Orphanet 475, MedGen C5979921, MONDO:0018772.
Nephronophthisis. Also called: Juvenile Nephronophthisis. Identifiers: Orphanet 655, MedGen C0687120, MONDO:0019005, HP:0000090.
CEP290-related disorder. Also called: CEP290-related disorders; CEP290-related condition. Identifiers: MedGen CN239314.
Meckel syndrome, type 4 (MKS4). Also called: MECKEL-GRUBER SYNDROME, TYPE 4. Identifiers: Orphanet 564, MedGen C1970161, MONDO:0012626, OMIM 611134.
Leber congenital amaurosis 10 (LCA10). Identifiers: Orphanet 65, MedGen C1857821, MONDO:0012723, OMIM 611755.
Bardet-Biedl syndrome 14 (BBS14). Identifiers: Orphanet 110, MedGen C2673874, MONDO:0014442, OMIM 615991.
Senior-Loken syndrome 6 (SLSN6). Identifiers: Orphanet 3156, MedGen C1857779, MONDO:0012433, OMIM 610189.
Joubert syndrome 5 (JBTS5). Identifiers: Orphanet 2318, MedGen C1857780, MONDO:0012432, OMIM 610188.
Leber congenital amaurosis (LCA). Also called: Leber's amaurosis. Identifiers: Orphanet 65, MedGen C0339527, MeSH D057130, MONDO:0018998.

Allele frequency attached by ClinVar (database versions not stated): gnomAD 0.00002; gnomAD exomes 0.00002; TOPMed 0.00002; ExAC 0.00003; 1000 Genomes Project 30x 0.00016; 1000 Genomes Project 0.00020.
gnomAD v4.1: 14 of 1,612,632 alleles (0.00087%); highest among the groups gnomAD compares: Admixed American, 0.0033%; no homozygotes.

Submissions 1 to 12 of 19:

ClinGen Leber Congenital Amaurosis/early Onset Retinal Dystrophy Variant Curation Expert Panel, ClinGen
Classification: Pathogenic for CEP290-related ciliopathy. Last evaluated: 2026-07-20. Review status: reviewed by expert panel. Criteria: ClinGen LCAeoRD ACMG Specifications CEP290 V1.0.0. Collection method: curation. Allele origin: germline. Inheritance: Autosomal recessive inheritance.
Comment: The NM_025114.4(CEP290):c.4393C>T (p.Arg1465Ter) variant is a nonsense variant that introduces a premature stop codon into exon 34 of 54 and is predicted to lead to nonsense-mediated decay in a gene in which loss-of-function is an established mechanism of disease (PVS1). This variant is present in gnomAD v4.1.1 at a total allele frequency of 0.000008681, with 14 alleles / 1,612,632 total alleles, which is lower than the ClinGen LCA/eoRD VCEP PM2_Supporting threshold of <0.0006 (PM2_Supporting). This variant has been reported in at least 1 proband with Joubert Syndrome who was homozygous for the variant (0.5 points, PMID 26092869). This variant has also been reported in at least 1 proband with early-onset severe retinal dystrophy (LCA) who was compound heterozygous with the NM_025114.4(CEP290):c.2991+1655A>G variant suspected in trans (0.5 points, PMID: 20690115), which was previously classified pathogenic by the ClinGen LCA/eoRD VCEP (1 total point, PM3). In summary, this variant meets the criteria to be classified as Pathogenic for CEP290-related retinopathy based on the ACMG/AMP criteria applied, as specified by the ClinGen LCA/eoRD VCEP: PVS1, PM2_Supporting, and PM3. (LCA/eoRD VCEP Specifications for CEP290 Version 1.0.0)

Dasa
Classification: Pathogenic. Last evaluated: 2025-12-22. Review status: criteria provided, single submitter. Criteria: DASA Assertion Criteria. Collection method: clinical testing. Allele origin: germline. Not counted in ClinVar's aggregate classification.
Comment: NM_025114.4(CEP290):c.4393C>T (p.Arg1465*) introduces a premature termination codon predicted to result in loss of normal protein function. Loss-of-function is an established mechanism of disease for this gene. This variant has been observed in affected individuals with related phenotype in a genotype context consistent with recessive disease (PMID: 29398085; PMID: 20683928). This variant has been recurrently observed in individuals with related phenotype (PMID: 29398085; PMID: 20683928). The variant is present at low frequency in population datasets. Based on the available data, this variant is classified as pathogenic.

Labcorp Genetics (formerly Invitae), Labcorp
Classification: Pathogenic for Joubert syndrome; Meckel-Gruber syndrome; Nephronophthisis. Last evaluated: 2025-09-24. Review status: criteria provided, single submitter. Criteria: Invitae Variant Classification Sherloc (09022015). Collection method: clinical testing. Allele origin: germline. Not counted in ClinVar's aggregate classification.
Comment: This sequence change creates a premature translational stop signal (p.Arg1465*) in the CEP290 gene. It is expected to result in an absent or disrupted protein product. Loss-of-function variants in CEP290 are known to be pathogenic (PMID: 16909394, 17345604, 20690115). This variant is present in population databases (rs539400286, gnomAD 0.006%). This premature translational stop signal has been observed in individuals with Leber congenital amaurosis (PMID: 20683928, 29398085). It has also been observed to segregate with disease in related individuals. ClinVar contains an entry for this variant (Variation ID: 217626). For these reasons, this variant has been classified as Pathogenic.

Natera, Inc.
Classification: Pathogenic for Leber congenital amaurosis. Last evaluated: 2025-07-06. Review status: criteria provided, single submitter. Criteria: Natera Variant Classification Schema (03/2026). Collection method: clinical testing. Allele origin: germline. Not counted in ClinVar's aggregate classification.
Comment: The c.4393C>T variant in CEP290 is a nonsense variant predicted to introduce a stop codon at amino acid 1465. This variant is expected to result in nonsense mediated decay, truncation, or a dysfunctional protein product. This variant is rare in the general population with a frequency below the threshold expected for the associated phenotype(s). This variant has been observed in one or more individuals affected with the associated recessive disease, as either homozygous or compound heterozygous with a second variant (PMID: 20683928). Given the available evidence, this variant is classified as Pathogenic.

Baylor Genetics
Classification: Pathogenic for Bardet-Biedl syndrome 14. Last evaluated: 2024-03-14. Review status: criteria provided, single submitter. Criteria: ACMG Guidelines, 2015. Collection method: clinical testing. Allele origin: unknown. Not counted in ClinVar's aggregate classification.

GeneDx
Classification: Pathogenic. Last evaluated: 2023-01-03. Review status: criteria provided, single submitter. Criteria: GeneDx Variant Classification Process June 2021. Collection method: clinical testing. Allele origin: germline. Affected: yes. Not counted in ClinVar's aggregate classification.
Comment: Nonsense variant predicted to result in protein truncation or nonsense mediated decay in a gene for which loss of function is a known mechanism of disease; Not observed at significant frequency in large population cohorts (gnomAD); This variant is associated with the following publications: (PMID: 17564967, 19764032, 20683928, 21962508, 22848652, 22995991, 26092869, 28157192, 29398085, 25525159, 33921607, 31589614, 34196201, 35005812)

Molecular Genetics, Royal Melbourne Hospital
Classification: Pathogenic for Joubert syndrome 5. Last evaluated: 2022-06-02. Review status: criteria provided, single submitter. Criteria: ACMG Guidelines, 2015. Collection method: clinical testing. Allele origin: germline. Not counted in ClinVar's aggregate classification.
Comment: This sequence change in CEP290 is a nonsense variant predicted to cause a premature stop codon, p.(Arg1465*), in biologically relevant-exon X/Y leading to nonsense-mediated decay in a gene in which loss-of-function is an established disease mechanism (ClinGen). The highest population minor allele frequency in gnomAD v2.1 is 0.006% (2/35,222 alleles) in the Latino/admixed American population, which is consistent with recessive disease. This variant has been detected homozygous and compound heterozygous with a second allele in multiple individuals with ciliopathy phenotypes (PMID: 17564967, 20683928, 35005812). Based on the classification scheme RMH Modified ACMG Guidelines v1.5.1, this variant is classified as PATHOGENIC. Following criteria are met: PVS1, PM3, PM2_Supporting.

Breakthrough Genomics
Classification: Pathogenic for Leber congenital amaurosis 10. Last evaluated: 2021-11-17. Review status: criteria provided, single submitter. Criteria: ACMG Guidelines, 2015. Collection method: clinical testing. Allele origin: germline. Affected: yes. Not counted in ClinVar's aggregate classification.
Comment: This variant was previously reported in families with Joubert syndrome and Leber congenital amaurosis and observed to segregate with Leber congenital amaurosis. It has been observed in combination with another CEP290 variant in unrelated individuals affected with Leber congenital amaurosis [PMID: 29398085, 20683928]. Loss-of-function variants in the CEP290 gene are known to be pathogenic [PMID: 16909394, 17345604, 20690115].

DBGen Ocular Genomics
Classification: Pathogenic for Leber congenital amaurosis 10. Last evaluated: 2021-06-01. Review status: criteria provided, single submitter. Criteria: ACMG Guidelines, 2015. Collection method: clinical testing. Allele origin: germline. Affected: yes. Observed: 1 variant allele. Not counted in ClinVar's aggregate classification.

Blueprint Genetics
Classification: Pathogenic for CEP290-related disorders. Last evaluated: 2021-04-15. Review status: criteria provided, single submitter. Criteria: ACMG Guidelines, 2015. Collection method: clinical testing. Allele origin: germline. Affected: yes. Observed: 5 variant alleles. Not counted in ClinVar's aggregate classification.

Kariminejad - Najmabadi Pathology & Genetics Center
Classification: Pathogenic for Occipital encephalocele. Last evaluated: 2019-07-18. Review status: criteria provided, single submitter. Criteria: ACMG Guidelines, 2015. Collection method: clinical testing. Allele origin: germline. Affected: yes. Not counted in ClinVar's aggregate classification.

Fulgent Genetics
Classification: Pathogenic for Joubert syndrome 5; Senior-Loken syndrome 6; Meckel syndrome, type 4; Leber congenital amaurosis 10; Bardet-Biedl syndrome 14. Last evaluated: 2018-10-31. Review status: criteria provided, single submitter. Criteria: ACMG Guidelines, 2015. Collection method: clinical testing. Allele origin: unknown. Not counted in ClinVar's aggregate classification.

NM_025114.4(CEP290):c.4393C>T (p.Arg1465Ter)

Gene: CEP290 (centrosomal protein 290; minus strand). Cytogenetic location: 12q21.32.
Variant type: single nucleotide variant.
Coding change: c.4393C>T on transcript NM_025114.4 (MANE Select); coding-DNA position 4393, C replaced by T.
Protein change: p.Arg1465Ter; replaces arginine 1465 with a stop codon.
Molecular consequence: nonsense.
Genome position (GRCh38, 1-based): chr12:88,086,083, G>A on the plus strand (C>T on the coding strand, the complement: CEP290 is on the minus strand). VCF-style: chr12-88086083-G-A. GRCh37 (hg19) VCF-style: chr12-88479860-G-A.
Other names: p.Arg1465Ter; NM_025114.4(CEP290):c.4393C>T; short protein forms R1465*.
Identifiers: ClinVar variation 217626 (VCV000217626.37), dbSNP rs539400286, ClinGen allele CA277705.